The following is an entry in ClinVar:

NM_001365951.3(KIF1B):c.*2869C>T

Gene: KIF1B (kinesin family member 1B; plus strand). Cytogenetic location: 1p36.22.
Variant type: single nucleotide variant.
Coding change: c.*2869C>T on transcript NM_001365951.3 (MANE Select); 2869 bases downstream of the stop codon, C replaced by T.
Molecular consequence: 3 prime UTR variant.
Genome position (GRCh38, 1-based): chr1:10,379,456, C>T. VCF-style: chr1-10379456-C-T. GRCh37 (hg19) VCF-style: chr1-10439514-C-T.
Other names: c.*2869C>T (NM_001365952.1, NM_015074.3).
Identifiers: ClinVar variation 291634 (VCV000291634.6), dbSNP rs3748580, ClinGen allele CA10607364.
Genomic context (GRCh38, chr1:10,379,456, plus strand): 5'-CCCTCTGGGGCGCCCCTGCTGCGGCTGGCAGGTGCAGACAGCCTTTGCTGGTCCCCAGCA[C>T]GTCCAGGGTGGGTGCTCCCTTGCCCGACAGAACCATCCCCACTGTGAGGCTGTGAGAGAT-3'

ClinVar aggregate classification (germline): Benign. Review status: criteria provided, multiple submitters, no conflicts (2 of 4 stars). 2 submissions from 2 submitters: Benign (2). Last evaluated 2018-01-13.

Conditions:
Neuroblastoma (NB). Identifiers: Orphanet 635, MedGen C0027819, MeSH D009447, MONDO:0005072, HP:0003006.

Allele frequency attached by ClinVar (database versions not stated): gnomAD 0.01838 and 0.01676; 1000 Genomes Project 0.02636; TOPMed 0.01362; gnomAD exomes 0.02031; 1000 Genomes Project 30x 0.02670.
gnomAD v4.1: 4,367 of 231,760 alleles (1.9%); highest among the groups gnomAD compares: East Asian, 5.2%; 103 homozygotes.

Submissions (2):

Illumina Laboratory Services, Illumina
Classification: Benign for Neuroblastoma. Last evaluated: 2018-01-13. Review status: criteria provided, single submitter. Criteria: ICSL Variant Classification Criteria 13 December 2019. Collection method: clinical testing. Allele origin: germline.
Comment: This variant was observed in the ICSL laboratory as part of a predisposition screen in an ostensibly healthy population. It had not been previously curated by ICSL or reported in the Human Gene Mutation Database (HGMD: prior to June 1st, 2018), and was therefore a candidate for classification through an automated scoring system. Utilizing variant allele frequency, disease prevalence and penetrance estimates, and inheritance mode, an automated score was calculated to assess if this variant is too frequent to cause the disease. Based on the score and internal cut-off values, a variant classified as benign is not then subjected to further curation. The score for this variant resulted in a classification of benign for this disease.

Breakthrough Genomics
Classification: Benign. Review status: criteria provided, single submitter. Criteria: ACMG Guidelines, 2015. Collection method: not provided. Allele origin: germline. Inheritance: Autosomal dominant inheritance. Affected: yes.